The following is an entry in ClinVar:

ClinVar aggregate classification (germline): Uncertain significance (1 of 4 stars; one submission).

Submission:

GeneDx
Classification: Uncertain significance. Last evaluated: 2022-03-20. Review status: criteria provided, single submitter. Criteria: GeneDx Variant Classification Process June 2021. Collection method: clinical testing. Allele origin: germline. Affected: yes.
Comment: Not observed at significant frequency in large population cohorts (gnomAD); In silico analysis supports that this missense variant does not alter protein structure/function; Has not been previously published as pathogenic or benign to our knowledge

NM_001003694.2(BRPF1):c.3268G>A (p.Asp1090Asn)

Gene: BRPF1 (bromodomain and PHD finger containing 1; plus strand). Cytogenetic location: 3p25.3.
Variant type: single nucleotide variant.
Coding change: c.3268G>A on transcript NM_001003694.2 (MANE Select); coding-DNA position 3268, G replaced by A.
Protein change: p.Asp1090Asn; replaces aspartic acid 1090 with asparagine.
Molecular consequence: missense variant. On other transcripts: non-coding transcript variant (1).
Genome position (GRCh38, 1-based): chr3:9,745,874, G>A. VCF-style: chr3-9745874-G-A. GRCh37 (hg19) VCF-style: chr3-9787558-G-A.
Other names: c.2965G>A, p.Asp989Asn (NM_001319049.2); c.3247G>A, p.Asp1083Asn (NM_001319050.2); c.3265G>A, p.Asp1089Asn (NM_001410704.1); c.3250G>A, p.Asp1084Asn (NM_004634.3); short protein forms D1083N, D1084N, D1089N, D1090N, D989N.
Identifiers: ClinVar variation 1706982 (VCV001706982.2), dbSNP rs1303676468, ClinGen allele CA351704922.